The following is an entry in ClinVar:

ClinVar aggregate classification (germline): Likely pathogenic (1 of 4 stars; one submission).

Conditions:
Mitochondrial complex I deficiency. Also called: NADH:Q(1) OXIDOREDUCTASE DEFICIENCY. Identifiers: Orphanet 2609, MedGen C1838979, MeSH C537475, MONDO:0100133.

Submission:

Natera, Inc.
Classification: Likely pathogenic for Mitochondrial complex I deficiency. Last evaluated: 2025-02-27. Review status: criteria provided, single submitter. Criteria: Natera Variant Classification Schema (03/2026). Collection method: clinical testing. Allele origin: germline.
Comment: The c.82del variant in NDUFAF5 is a frameshift variant predicted to shift the reading frame beginning at codon 28 and leads to a stop codon 17 codons downstream. This variant is expected to result in nonsense mediated decay, truncation, or a dysfunctional protein product. This variant is rare in the general population with a frequency below the threshold expected for the associated phenotype(s). Given the available evidence, this variant is classified as Likely Pathogenic.

NM_024120.5(NDUFAF5):c.82del (p.Glu28fs)

Genes: NDUFAF5 (NADH:ubiquinone oxidoreductase complex assembly factor 5; plus strand), LOC130065433 (ATAC-STARR-seq lymphoblastoid active region 17552; plus strand). Cytogenetic location: 20p12.1.
Variant type: Deletion.
Coding change: c.82del on transcript NM_024120.5 (MANE Select); coding-DNA position 82, one base deleted (G; older notation c.82delG).
Protein change: p.Glu28fs; shifts the reading frame from glutamic acid 28.
Molecular consequence: frameshift variant. On other transcripts: 5 prime UTR variant (3), non-coding transcript variant (7).
Genome position (GRCh38, 1-based): chr20:13,785,150, G deleted; the last of 3 consecutive G bases (chr20:13,785,148-13,785,150); deleting any one gives the same sequence. VCF-style (leftmost placement, unchanged base first): chr20-13785147-AG-A. GRCh37 (hg19) VCF-style: chr20-13765793-AG-A.
Other names: c.82del, p.Glu28fs (NM_001039375.3, NM_001352408.2); c.-286del (NM_001352403.2); c.-500del (NM_001352406.2); c.-614del (NM_001352407.2); short protein forms E28fs.
Identifiers: ClinVar variation 4058394 (VCV004058394.2).